The following is an entry in ClinVar:

ClinVar aggregate classification (germline): Pathogenic (1 of 4 stars; one submission).

Submission:

GeneDx
Classification: Pathogenic. Last evaluated: 2025-03-10. Review status: criteria provided, single submitter. Criteria: GeneDx Variant Classification Process June 2021. Collection method: clinical testing. Allele origin: germline. Affected: yes.
Comment: Occurs in the triple helical domain and replaces a glycine in a canonical Gly-X-Y repeat; missense substitution of a canonical glycine residue is expected to disrupt normal protein folding and function, and this is an established mechanism of disease (PMID: 34007986); Not observed at significant frequency in large population cohorts (gnomAD); In silico analysis supports that this missense variant has a deleterious effect on protein structure/function; Has not been previously published as pathogenic or benign to our knowledge; This variant is associated with the following publications: (PMID: 34007986)

NM_001844.5(COL2A1):c.2483G>A (p.Gly828Glu)

Gene: COL2A1 (collagen type II alpha 1 chain; minus strand). Cytogenetic location: 12q13.11.
Variant type: single nucleotide variant.
Coding change: c.2483G>A on transcript NM_001844.5 (MANE Select); coding-DNA position 2483, G replaced by A.
Protein change: p.Gly828Glu; replaces glycine 828 with glutamic acid.
Molecular consequence: missense variant.
Genome position (GRCh38, 1-based): chr12:47,980,949, C>T on the plus strand (G>A on the coding strand, the complement: COL2A1 is on the minus strand). VCF-style: chr12-47980949-C-T. GRCh37 (hg19) VCF-style: chr12-48374732-C-T.
Other names: c.2276G>A, p.Gly759Glu (NM_033150.3); short protein forms G759E, G828E.
Identifiers: ClinVar variation 4083052 (VCV004083052.1).